The following is an entry in ClinVar:

NM_014009.4(FOXP3):c.94G>T (p.Ala32Ser)

Gene: FOXP3 (forkhead box P3; minus strand). Cytogenetic location: Xp11.23.
Variant type: single nucleotide variant.
Coding change: c.94G>T on transcript NM_014009.4 (MANE Select); coding-DNA position 94, G replaced by T.
Protein change: p.Ala32Ser; replaces alanine 32 with serine.
Molecular consequence: missense variant.
Genome position (GRCh38, 1-based): chrX:49,258,412, C>A on the plus strand (G>T on the coding strand, the complement: FOXP3 is on the minus strand). VCF-style: chrX-49258412-C-A. GRCh37 (hg19) VCF-style: chrX-49114869-C-A.
Other names: c.94G>T, p.Ala32Ser (NM_001114377.2); short protein forms A32S.
Identifiers: ClinVar variation 2812165 (VCV002812165.3), dbSNP rs2519196906, ClinGen allele CA412954204.
Genomic context (GRCh38, chrX:49,258,412, plus strand): 5'-CTCGAAGATCTCGGCCCTGGAAGGTTCCCCCTGGGCCCCGGGCCCCCAGCAGGTCTGAGG[C>A]TTTGGGTGCAGCCCTCCAGCTGGGCGAGGCTCCTGGGGATGGGCCAAGGGCCAAGGAAGG-3'
Protein context (NP_054728.2, residues 22-42): ASPSWRAAPK[Ala32Ser]SDLLGARGPG

ClinVar aggregate classification (germline): Uncertain significance (1 of 4 stars; one submission).

Conditions:
Insulin-dependent diabetes mellitus secretory diarrhea syndrome (IPEX). Also called: X-Linked Autoimmunity-Allergic Dysregulation Syndrome; Immune dysregulation-polyendocrinopathy-enteropathy-X-linked syndrome; IPEX and IPEX-Like; Immunodysregulation, polyendocrinopathy, and enteropathy, X-linked; DIABETES MELLITUS, CONGENITAL INSULIN-DEPENDENT, WITH FATAL SECRETORY DIARRHEA; DIARRHEA, POLYENDOCRINOPATHY, FATAL INFECTION SYNDROME, X-LINKED. Identifiers: Orphanet 37042, MedGen C0342288, MONDO:0010580, OMIM 304790. Disease mechanism: loss of function.

Submission:

Labcorp Genetics (formerly Invitae), Labcorp
Classification: Uncertain significance for Insulin-dependent diabetes mellitus secretory diarrhea syndrome. Last evaluated: 2023-01-20. Review status: criteria provided, single submitter. Criteria: Invitae Variant Classification Sherloc (09022015). Collection method: clinical testing. Allele origin: germline.
Comment: In summary, the available evidence is currently insufficient to determine the role of this variant in disease. Therefore, it has been classified as a Variant of Uncertain Significance. Advanced modeling of protein sequence and biophysical properties (such as structural, functional, and spatial information, amino acid conservation, physicochemical variation, residue mobility, and thermodynamic stability) performed at Invitae indicates that this missense variant is not expected to disrupt FOXP3 protein function. This variant has not been reported in the literature in individuals affected with FOXP3-related conditions. This variant is not present in population databases (gnomAD no frequency). This sequence change replaces alanine, which is neutral and non-polar, with serine, which is neutral and polar, at codon 32 of the FOXP3 protein (p.Ala32Ser).